The following is an entry in ClinVar:

ClinVar aggregate classification (germline): Uncertain significance. Review status: criteria provided, multiple submitters, no conflicts (2 of 4 stars). 2 submissions from 2 submitters: Uncertain significance (2). Last evaluated 2024-11-26.

Conditions:
Inborn genetic diseases. Identifiers: MedGen C0950123, MeSH D030342.
Early-infantile DEE. Also called: Ohtahara syndrome; Early infantile epileptic encephalopathy; Early infantile epileptic encephalopathy with suppression bursts. Identifiers: Orphanet 1934, MedGen C0393706, MONDO:0800491.

Submissions (2):

Ambry Genetics
Classification: Uncertain significance for Inborn genetic diseases. Last evaluated: 2024-11-26. Review status: criteria provided, single submitter. Criteria: Ambry Variant Classification Scheme 2023. Collection method: clinical testing. Allele origin: germline.

Labcorp Genetics (formerly Invitae), Labcorp
Classification: Uncertain significance for Early-infantile DEE. Last evaluated: 2024-08-08. Review status: criteria provided, single submitter. Criteria: Invitae Variant Classification Sherloc (09022015). Collection method: clinical testing. Allele origin: germline.
Comment: This sequence change replaces proline, which is neutral and non-polar, with histidine, which is basic and polar, at codon 37 of the SCN1A protein (p.Pro37His). This variant is not present in population databases (gnomAD no frequency). This variant has not been reported in the literature in individuals affected with SCN1A-related conditions. Advanced modeling of protein sequence and biophysical properties (such as structural, functional, and spatial information, amino acid conservation, physicochemical variation, residue mobility, and thermodynamic stability) has been performed at Invitae for this missense variant, however the output from this modeling did not meet the statistical confidence thresholds required to predict the impact of this variant on SCN1A protein function. In summary, the available evidence is currently insufficient to determine the role of this variant in disease. Therefore, it has been classified as a Variant of Uncertain Significance.

NM_001165963.4(SCN1A):c.110C>A (p.Pro37His)

Gene: SCN1A (sodium voltage-gated channel alpha subunit 1; minus strand). Cytogenetic location: 2q24.3.
Variant type: single nucleotide variant.
Coding change: c.110C>A on transcript NM_001165963.4 (MANE Select); coding-DNA position 110, C replaced by A.
Protein change: p.Pro37His; replaces proline 37 with histidine.
Molecular consequence: missense variant. On other transcripts: 5 prime UTR variant (1), non-coding transcript variant (1).
Genome position (GRCh38, 1-based): chr2:166,073,512, G>T on the plus strand (C>A on the coding strand, the complement: SCN1A is on the minus strand). VCF-style: chr2-166073512-G-T. GRCh37 (hg19) VCF-style: chr2-166930022-G-T.
Other names: c.110C>A, p.Pro37His (NM_001165964.3, NM_001202435.3, NM_001353948.2 and 10 more transcripts); c.-2316C>A (NM_001353961.2); short protein forms P37H.
Identifiers: ClinVar variation 3438187 (VCV003438187.3).